The following is an entry in ClinVar:

NM_005120.3(MED12):c.554-83A>G

Gene: MED12 (mediator complex subunit 12; plus strand). Cytogenetic location: Xq13.1.
Variant type: single nucleotide variant.
Coding change: c.554-83A>G on transcript NM_005120.3 (MANE Select); 83 bases into the intron before coding-DNA position 554, A replaced by G.
Molecular consequence: intron variant.
Genome position (GRCh38, 1-based): chrX:71,120,888, A>G. VCF-style: chrX-71120888-A-G. GRCh37 (hg19) VCF-style: chrX-70340738-A-G.
Identifiers: ClinVar variation 674293 (VCV000674293.2), dbSNP rs4844282, ClinGen allele CA330975361.

ClinVar aggregate classification (germline): Benign. Review status: criteria provided, multiple submitters, no conflicts (2 of 4 stars). 2 submissions from 2 submitters: Benign (2). Last evaluated 2018-06-14.

Allele frequency attached by ClinVar (database versions not stated): 1000 Genomes Project 0.32848; 1000 Genomes Project 30x 0.34339; gnomAD exomes 0.34538; gnomAD 0.36926 and 0.37502; TOPMed 0.39394.
gnomAD v4.1: 393,129 of 1,128,019 alleles (35%); highest among the groups gnomAD compares: Admixed American, 50%; 49,449 homozygotes.

Submissions (2):

GeneDx
Classification: Benign. Last evaluated: 2018-06-14. Review status: criteria provided, single submitter. Criteria: GeneDx Variant Classification (06012015). Collection method: clinical testing. Allele origin: germline. Affected: yes.
Comment: This variant is considered likely benign or benign based on one or more of the following criteria: it is a conservative change, it occurs at a poorly conserved position in the protein, it is predicted to be benign by multiple in silico algorithms, and/or has population frequency not consistent with disease.

Breakthrough Genomics
Classification: Benign. Review status: criteria provided, single submitter. Criteria: ACMG Guidelines, 2015. Collection method: not provided. Allele origin: germline. Inheritance: X-linked inheritance. Affected: yes.